The following is an entry in ClinVar:

ClinVar aggregate classification (germline): Conflicting classifications of pathogenicity. Review status: criteria provided, conflicting classifications (1 of 4 stars). 2 submissions from 2 submitters: Likely pathogenic (1); Uncertain significance (1). Last evaluated 2023-08-28.

Conditions:
Fetal akinesia deformation sequence 2. Identifiers: MedGen C4760576, MONDO:0100102, OMIM 618388.

Allele frequency attached by ClinVar (database versions not stated): gnomAD exomes below 0.00001; TOPMed below 0.00001; gnomAD 0.00001.
gnomAD v4.1: 3 of 1,614,146 alleles (0.00019%); highest among the groups gnomAD compares: South Asian, 0.0033%; no homozygotes.

Submissions (2):

Women's Health and Genetics/Laboratory Corporation of America, LabCorp
Classification: Uncertain significance. Last evaluated: 2023-08-28. Review status: criteria provided, single submitter. Criteria: LabCorp Variant Classification Summary - May 2015. Collection method: clinical testing. Allele origin: germline.
Comment: Variant summary: RAPSN c.624C>G (p.Ser208Arg) results in a non-conservative amino acid change located in the MalT-like TPR region (IPR041617) of the encoded protein sequence. Five of five in-silico tools predict a damaging effect of the variant on protein function. The variant was absent in 251412 control chromosomes. c.624C>G has been reported in the literature in an individual affected with Fetal akinesia, a RAPSN-Related Disorder (Correa_2021). These data indicate that the variant may be associated with disease. To our knowledge, no experimental evidence demonstrating an impact on protein function has been reported. The following publication have been ascertained in the context of this evaluation (PMID: 34302381). One submitter has cited clinical-significance assessments for this variant to ClinVar after 2014 and has classified the variant as likely pathogenic. Based on the evidence outlined above, the variant was classified as VUS-possibly pathogenic.

Division of Medical Genetics, Department of Pediatrics, All India Institute of Medical Sciences, New Delhi
Classification: Likely pathogenic for Fetal akinesia deformation sequence 2. Last evaluated: 2023-06-15. Review status: criteria provided, single submitter. Criteria: ACMG Guidelines, 2015. Collection method: research. Allele origin: germline. Affected: yes.

Literature cited by the submitters: PubMed 34302381 (cited by Women's Health and Genetics/Laboratory Corporation of America, LabCorp).

NM_005055.5(RAPSN):c.624C>G (p.Ser208Arg)

Gene: RAPSN (receptor associated protein of the synapse; minus strand). Cytogenetic location: 11p11.2.
Variant type: single nucleotide variant.
Coding change: c.624C>G on transcript NM_005055.5 (MANE Select); coding-DNA position 624, C replaced by G.
Protein change: p.Ser208Arg; replaces serine 208 with arginine.
Molecular consequence: missense variant.
Genome position (GRCh38, 1-based): chr11:47,442,722, G>C on the plus strand (C>G on the coding strand, the complement: RAPSN is on the minus strand). VCF-style: chr11-47442722-G-C. GRCh37 (hg19) VCF-style: chr11-47464274-G-C.
Other names: c.624C>G (NM_005055.4); c.624C>G, p.Ser208Arg (NM_032645.5); short protein forms S208R.
Identifiers: ClinVar variation 2506359 (VCV002506359.2), dbSNP rs2076375159, ClinGen allele CA380332089.